The following is an entry in ClinVar:

NM_153252.5(BRWD3):c.4524A>G (p.Leu1508=)

Gene: BRWD3 (bromodomain and WD repeat domain containing 3; minus strand). Cytogenetic location: Xq21.1.
Variant type: single nucleotide variant.
Coding change: c.4524A>G on transcript NM_153252.5 (MANE Select); coding-DNA position 4524, A replaced by G.
Protein change: p.Leu1508=; no amino-acid change (leucine 1508 retained).
Molecular consequence: synonymous variant.
Genome position (GRCh38, 1-based): chrX:80,681,471, T>C on the plus strand (A>G on the coding strand, the complement: BRWD3 is on the minus strand). VCF-style: chrX-80681471-T-C. GRCh37 (hg19) VCF-style: chrX-79936970-T-C.
Identifiers: ClinVar variation 729655 (VCV000729655.10), dbSNP rs200785065, ClinGen allele CA10461629.
Genomic context (GRCh38, chrX:80,681,471, plus strand): 5'-GCTATATCCACCGAAGCTCGATGAAGAAAATGGCCCATCTGGCTCATCATCAAGTAGATA[T>C]AGTGAAAGCCCTTCAGCAGCATCTGAAACTTACATTTTAAAAGATTTTAATACTAACATA-3'
Protein context (NP_694984.5, residues 1498-1518): PVSDAAEGLS[Leu1508=]YLLDDEPDGP

ClinVar aggregate classification (germline): Likely benign. Review status: criteria provided, single submitter (1 of 4 stars). 2 submissions from 2 submitters: Likely benign (1). 1 of the submissions does not count toward it. Last evaluated 2025-12-14.

Conditions:
BRWD3-related disorder. Also called: BRWD3-related condition.

Allele frequency attached by ClinVar (database versions not stated): TOPMed 0.00012; 1000 Genomes Project 30x 0.00021.
gnomAD v4.1: 65 of 1,205,922 alleles (0.0054%); highest among the groups gnomAD compares: East Asian, 0.042%; 1 homozygote.

Submissions (2):

Labcorp Genetics (formerly Invitae), Labcorp
Classification: Likely benign. Last evaluated: 2025-12-14. Review status: criteria provided, single submitter. Criteria: Invitae Variant Classification Sherloc (09022015). Collection method: clinical testing. Allele origin: germline.

PreventionGenetics, part of Exact Sciences
Classification: Likely benign for BRWD3-related condition. Last evaluated: 2023-01-27. Review status: no assertion criteria provided. Collection method: clinical testing. Allele origin: germline. Not counted in ClinVar's aggregate classification.
Comment: This variant is classified as likely benign based on ACMG/AMP sequence variant interpretation guidelines (Richards et al. 2015 PMID: 25741868, with internal and published modifications).